The following is an entry in ClinVar:

ClinVar aggregate classification (germline): Likely pathogenic (1 of 4 stars; one submission).

Submission:

GeneDx
Classification: Likely pathogenic. Last evaluated: 2016-11-03. Review status: criteria provided, single submitter. Criteria: GeneDx Variant Classification (06012015). Collection method: clinical testing. Allele origin: germline. Affected: yes.
Comment: The T145P variant has not been published as a pathogenic variant, nor has it been reported as a benign variant to our knowledge. The T145P variant was not observed in approximately 6,500 individuals of European and African American ancestry in the NHLBI Exome Sequencing Project, indicating it is not a common benign variant in these populations. The T145P variant is a non-conservative amino acid substitution, which is likely to impact secondary protein structure as these residues differ in polarity, charge, size and/or other properties. This substitution occurs at a position that is conserved across species. In silico analysis predicts this variant is probably damaging to the protein structure/function. Based on the currently available information, it is unclear whether this variant is a pathogenic variant or a rare benign variant.

NM_002880.4(RAF1):c.433A>C (p.Thr145Pro)

Gene: RAF1 (Raf-1 proto-oncogene, serine/threonine kinase; minus strand). Cytogenetic location: 3p25.2.
Variant type: single nucleotide variant.
Coding change: c.433A>C on transcript NM_002880.4 (MANE Select); coding-DNA position 433, A replaced by C.
Protein change: p.Thr145Pro; replaces threonine 145 with proline.
Molecular consequence: missense variant. On other transcripts: non-coding transcript variant (3).
Genome position (GRCh38, 1-based): chr3:12,608,914, T>G on the plus strand (A>C on the coding strand, the complement: RAF1 is on the minus strand). VCF-style: chr3-12608914-T-G. GRCh37 (hg19) VCF-style: chr3-12650413-T-G.
Other names: c.433A>C, p.Thr145Pro (NM_001354689.3, NM_001354690.3, NM_001354693.3); c.190A>C, p.Thr64Pro (NM_001354691.3, NM_001354692.3, NM_001354694.3 and 1 more transcripts); short protein forms T145P, T64P.
Identifiers: ClinVar variation 373032 (VCV000373032.1), dbSNP rs1057518155, ClinGen allele CA16042457.